The following is an entry in ClinVar:

NM_024570.4(RNASEH2B):c.143G>A (p.Gly48Glu)

Gene: RNASEH2B (ribonuclease H2 subunit B; plus strand). Cytogenetic location: 13q14.3.
Variant type: single nucleotide variant.
Coding change: c.143G>A on transcript NM_024570.4 (MANE Select); coding-DNA position 143, G replaced by A.
Protein change: p.Gly48Glu; replaces glycine 48 with glutamic acid.
Molecular consequence: missense variant.
Genome position (GRCh38, 1-based): chr13:50,929,481, G>A. VCF-style: chr13-50929481-G-A. GRCh37 (hg19) VCF-style: chr13-51503617-G-A.
Other names: c.143G>A, p.Gly48Glu (NM_001142279.2); short protein forms G48E.
Identifiers: ClinVar variation 1448746 (VCV001448746.3), dbSNP rs1951648632, ClinGen allele CA388258673.

ClinVar aggregate classification (germline): Uncertain significance (1 of 4 stars; one submission).

Conditions:
Aicardi-Goutieres syndrome 2. Identifiers: Orphanet 51, MedGen C3489724, MONDO:0012429, OMIM 610181.

Allele frequency attached by ClinVar (database versions not stated): gnomAD exomes below 0.00001; TOPMed below 0.00001.
gnomAD v4.1: 4 of 1,609,368 alleles (0.00025%); highest among the groups gnomAD compares: East Asian, 0.0022%; no homozygotes.

Submission:

Labcorp Genetics (formerly Invitae), Labcorp
Classification: Uncertain significance for Aicardi-Goutieres syndrome 2. Last evaluated: 2021-09-26. Review status: criteria provided, single submitter. Criteria: Invitae Variant Classification Sherloc (09022015). Collection method: clinical testing. Allele origin: germline.
Comment: This sequence change replaces glycine with glutamic acid at codon 48 of the RNASEH2B protein (p.Gly48Glu). The glycine residue is moderately conserved and there is a moderate physicochemical difference between glycine and glutamic acid. This variant is not present in population databases (ExAC no frequency). This variant has not been reported in the literature in individuals affected with RNASEH2B-related conditions. Algorithms developed to predict the effect of missense changes on protein structure and function are either unavailable or do not agree on the potential impact of this missense change (SIFT: "Tolerated"; PolyPhen-2: "Probably Damaging"; Align-GVGD: "Class C0"). In summary, the available evidence is currently insufficient to determine the role of this variant in disease. Therefore, it has been classified as a Variant of Uncertain Significance.